The following is an entry in ClinVar:

NM_002454.3(MTRR):c.735A>C (p.Leu245Phe)

Gene: MTRR (5-methyltetrahydrofolate-homocysteine methyltransferase reductase; plus strand). Cytogenetic location: 5p15.31.
Variant type: single nucleotide variant.
Coding change: c.735A>C on transcript NM_002454.3 (MANE Select); coding-DNA position 735, A replaced by C.
Protein change: p.Leu245Phe; replaces leucine 245 with phenylalanine.
Molecular consequence: missense variant. On other transcripts: non-coding transcript variant (14).
Genome position (GRCh38, 1-based): chr5:7,878,277, A>C. VCF-style: chr5-7878277-A-C. GRCh37 (hg19) VCF-style: chr5-7878390-A-C.
Other names: c.735A>C, p.Leu245Phe (NM_001364440.2, NM_001364441.2, NM_001364442.2 and 1 more transcripts); short protein forms L245F.
Identifiers: ClinVar variation 1409800 (VCV001409800.5), dbSNP rs1343821146, ClinGen allele CA359157352.

ClinVar aggregate classification (germline): Uncertain significance. Review status: criteria provided, multiple submitters, no conflicts (2 of 4 stars). 2 submissions from 2 submitters: Uncertain significance (2). Last evaluated 2022-06-29.

Conditions:
Methylcobalamin deficiency type cblE (HMAE). Also called: HOMOCYSTINURIA-MEGALOBLASTIC ANEMIA, cblE COMPLEMENTATION TYPE; HOMOCYSTINURIA-MEGALOBLASTIC ANEMIA, cblE TYPE; VITAMIN B12-RESPONSIVE HOMOCYSTINURIA, cblE TYPE. Identifiers: Orphanet 2169, Orphanet 622, MedGen C1856057, MONDO:0009354, OMIM 236270.

Allele frequency attached by ClinVar (database versions not stated): gnomAD 0.00001.
gnomAD v4.1: 1 of 1,613,984 alleles (0.000062%); highest among the groups gnomAD compares: Non-Finnish European, 0.000085%; no homozygotes.

Submissions (2):

Revvity Omics, Revvity
Classification: Uncertain significance for Methylcobalamin deficiency type cblE. Last evaluated: 2022-06-29. Review status: criteria provided, single submitter. Criteria: ACMG Guidelines, 2015. Collection method: clinical testing. Allele origin: germline.

Labcorp Genetics (formerly Invitae), Labcorp
Classification: Uncertain significance for Methylcobalamin deficiency type cblE. Last evaluated: 2021-11-06. Review status: criteria provided, single submitter. Criteria: Invitae Variant Classification Sherloc (09022015). Collection method: clinical testing. Allele origin: germline.
Comment: This sequence change replaces leucine, which is neutral and non-polar, with phenylalanine, which is neutral and non-polar, at codon 245 of the MTRR protein (p.Leu245Phe). This variant is present in population databases (no rsID available, gnomAD 0.0009%). This variant has not been reported in the literature in individuals affected with MTRR-related conditions. Algorithms developed to predict the effect of missense changes on protein structure and function are either unavailable or do not agree on the potential impact of this missense change (SIFT: "Tolerated"; PolyPhen-2: "Possibly Damaging"; Align-GVGD: "Class C0"). In summary, the available evidence is currently insufficient to determine the role of this variant in disease. Therefore, it has been classified as a Variant of Uncertain Significance.